The following is an entry in ClinVar:

ClinVar aggregate classification (germline): Conflicting classifications of pathogenicity. Review status: criteria provided, conflicting classifications (1 of 4 stars). 5 submissions from 5 submitters: Uncertain significance (1); Likely benign (4). Last evaluated 2025-12-17.

Conditions:
Cardiovascular phenotype. Identifiers: MedGen CN230736.
Sitosterolemia (STSL). Also called: PHYTOSTEROLEMIA. Identifiers: Orphanet 2882, MedGen C0342907, MONDO:0008863.
Sitosterolemia 2. Identifiers: MedGen C5231453, MONDO:0020748, OMIM 618666.
ABCG5-related disorder. Also called: ABCG5-related condition.

Allele frequency attached by ClinVar (database versions not stated): gnomAD 0.00008 and 0.00001; gnomAD exomes 0.00013 and 0.00024; TOPMed 0.00002; 1000 Genomes Project 30x 0.00016; 1000 Genomes Project 0.00020; ExAC 0.00028.
gnomAD v4.1: 198 of 1,614,072 alleles (0.012%); highest among the groups gnomAD compares: South Asian, 0.19%; 1 homozygote.

Submissions (5):

Ambry Genetics
Classification: Likely benign for Cardiovascular phenotype. Last evaluated: 2025-12-17. Review status: criteria provided, single submitter. Criteria: Ambry Variant Classification Scheme 2023. Collection method: clinical testing. Allele origin: germline.

Labcorp Genetics (formerly Invitae), Labcorp
Classification: Likely benign for Sitosterolemia. Last evaluated: 2025-10-27. Review status: criteria provided, single submitter. Criteria: Invitae Variant Classification Sherloc (09022015). Collection method: clinical testing. Allele origin: germline.

PreventionGenetics, part of Exact Sciences
Classification: Likely benign for ABCG5-related condition. Last evaluated: 2025-06-20. Review status: criteria provided, single submitter. Criteria: ACMG Guidelines, 2015. Collection method: clinical testing. Allele origin: germline.
Comment: This variant is classified as likely benign based on ACMG/AMP sequence variant interpretation guidelines (Richards et al. 2015 PMID: 25741868, with internal and published modifications).

Revvity Omics, Revvity
Classification: Uncertain significance for Sitosterolemia 2. Last evaluated: 2024-12-20. Review status: criteria provided, single submitter. Criteria: ACMG Guidelines, 2015. Collection method: clinical testing. Allele origin: germline.

Mayo Clinic Laboratories, Mayo Clinic
Classification: Likely benign. Last evaluated: 2023-11-27. Review status: criteria provided, single submitter. Criteria: ACMG Guidelines, 2015. Collection method: clinical testing. Allele origin: germline. Observed: 2 variant alleles.
Comment: BS1, PM1

NM_022436.3(ABCG5):c.1366G>A (p.Gly456Ser)

Genes: ABCG5 (ATP binding cassette subfamily G member 5; minus strand), DYNC2LI1 (dynein cytoplasmic 2 light intermediate chain 1; plus strand). Cytogenetic location: 2p21.
Variant type: single nucleotide variant.
Coding change: c.1366G>A on transcript NM_022436.3 (MANE Select); coding-DNA position 1366, G replaced by A.
Protein change: p.Gly456Ser; replaces glycine 456 with serine.
Molecular consequence: missense variant. On other transcripts: intron variant (2).
Genome position (GRCh38, 1-based): chr2:43,822,894, C>T on the plus strand (G>A on the coding strand, the complement: ABCG5 is on the minus strand). VCF-style: chr2-43822894-C-T. GRCh37 (hg19) VCF-style: chr2-44050033-C-T.
Other names: p.Gly456Ser; c.*16-4492C>T (NM_001348913.2, NM_001348912.2); short protein forms G456S.
Identifiers: ClinVar variation 726803 (VCV000726803.16), dbSNP rs200378113, ClinGen allele CA1636293.